The following is an entry in ClinVar:

ClinVar aggregate classification (germline): Likely pathogenic (1 of 4 stars; one submission).

Conditions:
Nemaline myopathy 2 (NEM2). Also called: Nemaline myopathy 2, autosomal recessive. Identifiers: MedGen C1850569, MONDO:0009725, OMIM 256030.

Submission:

Natera, Inc.
Classification: Likely pathogenic for Nemaline myopathy type 2. Last evaluated: 2024-06-10. Review status: criteria provided, single submitter. Criteria: Natera Variant Classification Schema (03/2026). Collection method: clinical testing. Allele origin: germline.
Comment: The c.19217_19220del variant in NEB is a frameshift variant predicted to shift the reading frame beginning at codon 6406 and leads to a stop codon 6 codons downstream. This variant is expected to result in nonsense mediated decay, truncation, or a dysfunctional protein product. This variant is rare in the general population with a frequency below the threshold expected for the associated phenotype(s). Given the available evidence, this variant is classified as Likely Pathogenic.

NM_001164508.2(NEB):c.19217_19220del (p.Lys6406fs)

Gene: NEB (nebulin; minus strand). Cytogenetic location: 2q23.3.
Variant type: Deletion.
Coding change: c.19217_19220del on transcript NM_001164508.2 (MANE Select); coding-DNA positions 19217 to 19220, 4 bases deleted (AGGA; older notation c.19217_19220delAGGA).
Protein change: p.Lys6406fs; shifts the reading frame from lysine 6406.
Molecular consequence: frameshift variant.
Genome position (GRCh38, 1-based): chr2:151,560,686-151,560,689, TCCT deleted on the plus strand (AGGA on the coding strand, the reverse complement: NEB is on the minus strand); deleting any 4 consecutive bases within chr2:151,560,686-151,560,690 gives the same sequence; the c. name uses the placement nearest the transcript's 3' end. VCF-style (leftmost placement, unchanged base first): chr2-151560685-CTCCT-C. GRCh37 (hg19) VCF-style: chr2-152417199-CTCCT-C.
Other names: c.19217_19220del, p.Lys6406fs (NM_001164507.2, NM_001271208.2); c.19216_19219delAAGG, p.Lys6406Argfs (NM_001271208.1); c.14114_14117del, p.Lys4705fs (NM_004543.5); short protein forms K4705fs, K6406fs.
Identifiers: ClinVar variation 4814740 (VCV004814740.1).